The following is an entry in ClinVar:

NM_000051.4(ATM):c.4783A>C (p.Asn1595His)

Gene: ATM (ATM serine/threonine kinase; plus strand). Cytogenetic location: 11q22.3.
Variant type: single nucleotide variant.
Coding change: c.4783A>C on transcript NM_000051.4 (MANE Select); coding-DNA position 4783, A replaced by C.
Protein change: p.Asn1595His; replaces asparagine 1595 with histidine.
Molecular consequence: missense variant.
Genome position (GRCh38, 1-based): chr11:108,294,933, A>C. VCF-style: chr11-108294933-A-C. GRCh37 (hg19) VCF-style: chr11-108165660-A-C.
Other names: c.4783A>C, p.Asn1595His (NM_001351834.2); short protein forms N1595H.
Identifiers: ClinVar variation 4747221 (VCV004747221.1).

ClinVar aggregate classification (germline): Uncertain significance (1 of 4 stars; one submission).

Conditions:
Ataxia-telangiectasia syndrome (AT). Also called: Ataxia-telangiectasia, complementation group D; AT, COMPLEMENTATION GROUP C; Ataxia-telangiectasia; Ataxia telangiectasia (A-T); LOUIS-BAR SYNDROME; Cerebello-oculocutaneous telangiectasia. Identifiers: Orphanet 100, MedGen C0004135, MONDO:0008840, OMIM 208900.

gnomAD v4.1: 1 of 1,613,788 alleles (0.000062%); highest among the groups gnomAD compares: Middle Eastern, 0.017%; no homozygotes.

Submission:

Labcorp Genetics (formerly Invitae), Labcorp
Classification: Uncertain significance for Ataxia-telangiectasia syndrome. Last evaluated: 2025-12-08. Review status: criteria provided, single submitter. Criteria: Invitae Variant Classification Sherloc (09022015). Collection method: clinical testing. Allele origin: germline.
Comment: This sequence change replaces asparagine, which is neutral and polar, with histidine, which is basic and polar, at codon 1595 of the ATM protein (p.Asn1595His). This variant is not present in population databases (gnomAD no frequency). This variant has not been reported in the literature in individuals affected with ATM-related conditions. Invitae Evidence Modeling of protein sequence and biophysical properties (such as structural, functional, and spatial information, amino acid conservation, physicochemical variation, residue mobility, and thermodynamic stability) indicates that this missense variant is not expected to disrupt ATM protein function with a negative predictive value of 95%. In summary, the available evidence is currently insufficient to determine the role of this variant in disease. Therefore, it has been classified as a Variant of Uncertain Significance.